The following is an entry in ClinVar:

NM_006031.6(PCNT):c.5887G>A (p.Gly1963Arg)

Gene: PCNT (pericentrin; plus strand). Cytogenetic location: 21q22.3.
Variant type: single nucleotide variant.
Coding change: c.5887G>A on transcript NM_006031.6 (MANE Select); coding-DNA position 5887, G replaced by A.
Protein change: p.Gly1963Arg; replaces glycine 1963 with arginine.
Molecular consequence: missense variant.
Genome position (GRCh38, 1-based): chr21:46,411,960, G>A. VCF-style: chr21-46411960-G-A. GRCh37 (hg19) VCF-style: chr21-47831874-G-A.
Other names: c.5533G>A, p.Gly1845Arg (NM_001315529.2); short protein forms G1845R, G1963R.
Identifiers: ClinVar variation 3358554 (VCV003358554.3).

ClinVar aggregate classification (germline): Uncertain significance. Review status: criteria provided, single submitter (1 of 4 stars). 2 submissions from 2 submitters: Uncertain significance (1). 1 of the submissions does not count toward it. Last evaluated 2024-06-13.

Conditions:
PCNT-related disorder. Also called: PCNT-related condition.

gnomAD v4.1: 24 of 1,599,492 alleles (0.0015%); highest among the groups gnomAD compares: African/African-American, 0.021%; no homozygotes.

Submissions (2):

Labcorp Genetics (formerly Invitae), Labcorp
Classification: Uncertain significance. Last evaluated: 2024-06-13. Review status: criteria provided, single submitter. Criteria: Invitae Variant Classification Sherloc (09022015). Collection method: clinical testing. Allele origin: germline.
Comment: This sequence change replaces glycine, which is neutral and non-polar, with arginine, which is basic and polar, at codon 1963 of the PCNT protein (p.Gly1963Arg). The frequency data for this variant in the population databases is considered unreliable, as metrics indicate poor data quality at this position in the gnomAD database. This variant has not been reported in the literature in individuals affected with PCNT-related conditions. Algorithms developed to predict the effect of missense changes on protein structure and function output the following: SIFT: "Not Available"; PolyPhen-2: "Probably Damaging"; Align-GVGD: "Not Available". The arginine amino acid residue is found in multiple mammalian species, which suggests that this missense change does not adversely affect protein function. In summary, the available evidence is currently insufficient to determine the role of this variant in disease. Therefore, it has been classified as a Variant of Uncertain Significance.

PreventionGenetics, part of Exact Sciences
Classification: Uncertain significance for PCNT-related condition. Last evaluated: 2024-02-13. Review status: no assertion criteria provided. Collection method: clinical testing. Allele origin: germline. Not counted in ClinVar's aggregate classification.
Comment: The PCNT c.5887G>A variant is predicted to result in the amino acid substitution p.Gly1963Arg. To our knowledge, this variant has not been reported in the literature. This variant is reported in 0.018% of alleles in individuals of African descent in gnomAD. At this time, the clinical significance of this variant is uncertain due to the absence of conclusive functional and genetic evidence.